The following is an entry in ClinVar:

ClinVar aggregate classification (germline): Conflicting classifications of pathogenicity. Review status: criteria provided, conflicting classifications (1 of 4 stars). 3 submissions from 3 submitters: Uncertain significance (1); Likely benign (2). Last evaluated 2024-10-14.

Conditions:
Hereditary cancer-predisposing syndrome. Also called: Neoplastic Syndromes, Hereditary; Tumor predisposition; Hereditary neoplastic syndrome; Hereditary Cancer Syndrome. Identifiers: Orphanet 140162, MedGen C0027672, MeSH D009386, MONDO:0015356.
Hereditary breast ovarian cancer syndrome. Also called: BRCA1- and BRCA2-Associated Hereditary Breast and Ovarian Cancer; Hereditary breast and ovarian cancer; Hereditary breast and ovarian cancer syndrome; Hereditary breast and/or ovarian cancer syndrome; Hereditary breast and ovarian cancer syndrome (HBOC); Breast and ovarian cancer. Identifiers: Orphanet 145, MedGen C0677776, MeSH D061325, MONDO:0003582. Disease mechanism: loss of function.

Submissions (3):

Ambry Genetics
Classification: Likely benign for Hereditary cancer-predisposing syndrome. Last evaluated: 2024-10-14. Review status: criteria provided, single submitter. Criteria: Ambry Variant Classification Scheme 2023. Collection method: clinical testing. Allele origin: germline.

University of Washington Department of Laboratory Medicine, University of Washington
Classification: Likely benign for Hereditary cancer-predisposing syndrome. Last evaluated: 2023-03-23. Review status: criteria provided, single submitter. Criteria: Dines et al. (Genet Med. 2020). Collection method: curation. Allele origin: germline.
Comment: Missense variant in a coldspot region where missense variants are very unlikely to be pathogenic (PMID:31911673).

BRCA2 exon 11 coldspot. Reclassification based on statistical prior probability.

Labcorp Genetics (formerly Invitae), Labcorp
Classification: Uncertain significance for Hereditary breast ovarian cancer syndrome. Last evaluated: 2022-09-23. Review status: criteria provided, single submitter. Criteria: Invitae Variant Classification Sherloc (09022015). Collection method: clinical testing. Allele origin: germline.
Comment: This sequence change replaces lysine, which is basic and polar, with methionine, which is neutral and non-polar, at codon 1964 of the BRCA2 protein (p.Lys1964Met). This variant is present in population databases (no rsID available, gnomAD 0.0009%). This variant has not been reported in the literature in individuals affected with BRCA2-related conditions. ClinVar contains an entry for this variant (Variation ID: 1372661). Advanced modeling of protein sequence and biophysical properties (such as structural, functional, and spatial information, amino acid conservation, physicochemical variation, residue mobility, and thermodynamic stability) performed at Invitae indicates that this missense variant is not expected to disrupt BRCA2 protein function. In summary, the available evidence is currently insufficient to determine the role of this variant in disease. Therefore, it has been classified as a Variant of Uncertain Significance.

NM_000059.4(BRCA2):c.5891A>T (p.Lys1964Met)

Gene: BRCA2 (BRCA2 DNA repair associated; plus strand). Cytogenetic location: 13q13.1.
Variant type: single nucleotide variant.
Coding change: c.5891A>T on transcript NM_000059.4 (MANE Select); coding-DNA position 5891, A replaced by T.
Protein change: p.Lys1964Met; replaces lysine 1964 with methionine.
Molecular consequence: missense variant.
Genome position (GRCh38, 1-based): chr13:32,340,246, A>T. VCF-style: chr13-32340246-A-T. GRCh37 (hg19) VCF-style: chr13-32914383-A-T.
Other names: short protein forms K1964M.
Identifiers: ClinVar variation 1372661 (VCV001372661.12), dbSNP rs80358821, ClinGen allele CA387787479.